The following is an entry in ClinVar:

NM_177438.3(DICER1):c.1810G>A (p.Val604Ile)

Gene: DICER1 (dicer 1, ribonuclease III; minus strand). Cytogenetic location: 14q32.13.
Variant type: single nucleotide variant.
Coding change: c.1810G>A on transcript NM_177438.3 (MANE Select); coding-DNA position 1810, G replaced by A.
Protein change: p.Val604Ile; replaces valine 604 with isoleucine.
Molecular consequence: missense variant.
Genome position (GRCh38, 1-based): chr14:95,115,764, C>T on the plus strand (G>A on the coding strand, the complement: DICER1 is on the minus strand). VCF-style: chr14-95115764-C-T. GRCh37 (hg19) VCF-style: chr14-95582101-C-T.
Other names: c.1810G>A, p.Val604Ile (NM_001195573.1, NM_001271282.3, NM_001291628.2 and 1 more transcripts); short protein forms V604I.
Identifiers: ClinVar variation 1059491 (VCV001059491.11), dbSNP rs960381662, ClinGen allele CA265915549.
Genomic context (GRCh38, chr14:95,115,764, plus strand): 5'-GTGGACCACCATCGTCAGGCCTCAACACATATGGTGGGAAAACGTCATCATCATCCATGA[C>T]AGGATCAATGTCAGTCTCACCAGTATCAACCGACTTGGAACACTTGTTTCTCAAGATCTG-3'
Protein context (NP_803187.1, residues 594-614): VDTGETDIDP[Val604Ile]MDDDDVFPPY

ClinVar aggregate classification (germline): Uncertain significance. Review status: criteria provided, multiple submitters, no conflicts (2 of 4 stars). 2 submissions from 2 submitters: Uncertain significance (2). Last evaluated 2024-06-03.

Conditions:
Global developmental delay - lung cysts - overgrowth - Wilms tumor syndrome. Also called: GLOBAL DEVELOPMENTAL DELAY, LUNG CYSTS, OVERGROWTH, AND WILMS TUMOR; GLOW Syndrome. Identifiers: Orphanet 404476, MedGen C4748924, MONDO:0018445, OMIM 618272.
DICER1-related tumor predisposition. Also called: DICER1 syndrome; DICER1-related pleuropulmonary blastoma cancer predisposition syndrome. Identifiers: Orphanet 284343, MedGen C3839822, MONDO:0100216.

Allele frequency attached by ClinVar (database versions not stated): gnomAD exomes below 0.00001; TOPMed below 0.00001.
gnomAD v4.1: 1 of 1,614,168 alleles (0.000062%); highest among the groups gnomAD compares: Non-Finnish European, 0.000085%; no homozygotes.

Submissions (2):

Labcorp Genetics (formerly Invitae), Labcorp
Classification: Uncertain significance for DICER1-related tumor predisposition. Last evaluated: 2024-06-03. Review status: criteria provided, single submitter. Criteria: Invitae Variant Classification Sherloc (09022015). Collection method: clinical testing. Allele origin: germline.
Comment: This sequence change replaces valine, which is neutral and non-polar, with isoleucine, which is neutral and non-polar, at codon 604 of the DICER1 protein (p.Val604Ile). This variant is present in population databases (no rsID available, gnomAD 0.0009%). This variant has not been reported in the literature in individuals affected with DICER1-related conditions. ClinVar contains an entry for this variant (Variation ID: 1059491). Advanced modeling of protein sequence and biophysical properties (such as structural, functional, and spatial information, amino acid conservation, physicochemical variation, residue mobility, and thermodynamic stability) performed at Invitae indicates that this missense variant is not expected to disrupt DICER1 protein function with a negative predictive value of 80%. In summary, the available evidence is currently insufficient to determine the role of this variant in disease. Therefore, it has been classified as a Variant of Uncertain Significance.

Baylor Genetics
Classification: Uncertain significance for Global developmental delay - lung cysts - overgrowth - Wilms tumor syndrome. Last evaluated: 2023-07-06. Review status: criteria provided, single submitter. Criteria: ACMG Guidelines, 2015. Collection method: clinical testing. Allele origin: unknown.